The following is an entry in ClinVar:

NM_000271.5(NPC1):c.2746_2748del (p.Asn916del)

Gene: NPC1 (NPC intracellular cholesterol transporter 1; minus strand). Cytogenetic location: 18q11.2.
Variant type: Deletion.
Coding change: c.2746_2748del on transcript NM_000271.5 (MANE Select); coding-DNA positions 2746 to 2748, 3 bases deleted (AAT; older notation c.2746_2748delAAT).
Protein change: p.Asn916del; deletes asparagine 916.
Molecular consequence: inframe deletion.
Genome position (GRCh38, 1-based): chr18:23,539,858-23,539,860, ATT deleted on the plus strand (AAT on the coding strand, the reverse complement: NPC1 is on the minus strand). VCF-style (leftmost placement, unchanged base first): chr18-23539857-CATT-C. GRCh37 (hg19) VCF-style: chr18-21119821-CATT-C.
Other names: short protein forms N916del.
Identifiers: ClinVar variation 4081752 (VCV004081752.2).

ClinVar aggregate classification (germline): Likely pathogenic. Review status: criteria provided, multiple submitters, no conflicts (2 of 4 stars). 2 submissions from 2 submitters: Likely pathogenic (2). Last evaluated 2025-01-24.

Conditions:
Niemann-Pick disease, type C1. Also called: NEUROVISCERAL STORAGE DISEASE WITH VERTICAL SUPRANUCLEAR OPHTHALMOPLEGIA; NIEMANN-PICK DISEASE WITH CHOLESTEROL ESTERIFICATION BLOCK; NIEMANN-PICK DISEASE WITHOUT SPHINGOMYELINASE DEFICIENCY; NIEMANN-PICK DISEASE, CHRONIC NEURONOPATHIC FORM; NIEMANN-PICK DISEASE, VARIANT TYPE C1. Identifiers: Orphanet 646, MedGen C3179455, MONDO:0009757, OMIM 257220.
NPC1-related disorder. Also called: NPC1-related condition.

Submissions (2):

Myriad Genetics, Inc.
Classification: Likely pathogenic for Niemann-Pick disease, type C1. Last evaluated: 2025-01-24. Review status: criteria provided, single submitter. Criteria: Myriad Autosomal Dominant, Autosomal Recessive and X-Linked Classification Criteria (2023). Collection method: clinical testing. Allele origin: unknown.
Comment: NM_000271.4(NPC1):c.2746_2748delAAT(N916del) is an in-frame deletion classified as likely pathogenic in the context of Niemann-Pick disease type C1. N916del has been observed in cases with relevant disease (PMID: 20718790, 32060698, 32248828, 26910362, Jecel_2015_(Article)). Relevant functional assessments of this variant are not available in the literature. N916del has been observed in referenced population frequency databases. In summary, NM_000271.4(NPC1):c.2746_2748delAAT(N916del) is an in-frame deletion that has been observed more frequently in cases with the relevant disease than in healthy populations. Please note: this variant was assessed in the context of healthy population screening.

Blueprint Genetics
Classification: Likely pathogenic for NPC1-related disorders. Last evaluated: 2024-01-16. Review status: criteria provided, single submitter. Criteria: ACMG Guidelines, 2015. Collection method: clinical testing. Allele origin: germline. Affected: yes. Observed: 2 variant alleles.